The following is an entry in ClinVar:

ClinVar aggregate classification (germline): Uncertain significance (1 of 4 stars; one submission).

Conditions:
Vascular malformation. Also called: Vascular malformations. Identifiers: MedGen C0158570, MONDO:0024291.

Submission:

Clinical Genomics Laboratory, Washington University in St. Louis
Classification: Uncertain significance for Vascular malformation. Last evaluated: 2025-11-16. Review status: criteria provided, single submitter. Criteria: Leon-Quintero et al. (Clin Genet. 2025). Collection method: clinical testing. Allele origin: somatic.
Comment: A BRAF c.1175G>C (p.Gly392Ala) variant was identified at an allelic fraction consistent with somatic origin. This variant, to our knowledge, has not been reported in the medical literature or in the ClinVar database. It is absent from the general population (gnomAD v4.1.0), indicating it is not a common variant. Computational predictors are uncertain as to the impact of this variant on BRAF function. Due to limited information, and based on internally developed protocol informed by the ACMG/AMP guidelines for variant interpretation and gene-specific practices from the ClinGen Criteria Specification Registry (Leon-Quintero FZ et al., PMID: 39434542), the clinical significance of the BRAF c.1175G>C (p.Gly392Ala) is uncertain at this time.

NM_004333.6(BRAF):c.1175G>C (p.Gly392Ala)

Gene: BRAF (B-Raf proto-oncogene, serine/threonine kinase; minus strand). Cytogenetic location: 7q34.
Variant type: single nucleotide variant.
Coding change: c.1175G>C on transcript NM_004333.6 (MANE Select); coding-DNA position 1175, G replaced by C.
Protein change: p.Gly392Ala; replaces glycine 392 with alanine.
Molecular consequence: missense variant. On other transcripts: intron variant (1).
Genome position (GRCh38, 1-based): chr7:140,787,550, C>G on the plus strand (G>C on the coding strand, the complement: BRAF is on the minus strand). VCF-style: chr7-140787550-C-G. GRCh37 (hg19) VCF-style: chr7-140487350-C-G.
Other names: c.1175G>C, p.Gly392Ala (NM_001354609.2, NM_001374244.1, NM_001374258.1 and 3 more transcripts); c.1184G>C, p.Gly395Ala (NM_001378467.1); c.1073G>C, p.Gly358Ala (NM_001378470.1); c.1019G>C, p.Gly340Ala (NM_001378472.1, NM_001378473.1); c.911G>C, p.Gly304Ala (NM_001378475.1); c.1141-4467G>C (NM_001378471.1); short protein forms G304A, G340A, G392A, G395A, G358A.
Identifiers: ClinVar variation 4974548 (VCV004974548.1).